The following is an entry in ClinVar:

ClinVar aggregate classification (germline): Likely benign (1 of 4 stars; one submission).

gnomAD v4.1: 553 of 398,640 alleles (0.14%); highest among the groups gnomAD compares: African/African-American, 0.98%; 1 homozygote.

Submission:

CeGaT Center for Human Genetics Tuebingen
Classification: Likely benign. Last evaluated: 2025-09-01. Review status: criteria provided, single submitter. Criteria: CeGaT Center For Human Genetics Tuebingen Variant Classification Criteria Version 2. Collection method: clinical testing. Allele origin: germline. Affected: yes. Observed: 1 variant allele.
Comment: KCNQ1OT1: BS1

NM_000218.3(KCNQ1):c.1394-6136G>A

Genes: KCNQ1 (potassium voltage-gated channel subfamily Q member 1; plus strand), KCNQ1OT1 (KCNQ1 opposite strand/antisense transcript 1; minus strand). Cytogenetic location: 11p15.5.
Variant type: single nucleotide variant.
Coding change: c.1394-6136G>A on transcript NM_000218.3 (MANE Select); 6136 bases into the intron before coding-DNA position 1394, G replaced by A.
Molecular consequence: intron variant. On other transcripts: non-coding transcript variant (1).
Genome position (GRCh38, 1-based): chr11:2,655,825, G>A. VCF-style: chr11-2655825-G-A. GRCh37 (hg19) VCF-style: chr11-2677055-G-A.
Other names: c.1124-6136G>A (NM_001406837.1); c.1298-6136G>A (NM_001406836.1); c.854-6136G>A (NM_001406838.1); c.1013-6136G>A (NM_181798.2).
Identifiers: ClinVar variation 4281191 (VCV004281191.7).